The following is an entry in ClinVar:

ClinVar aggregate classification (germline): Uncertain significance. Review status: criteria provided, multiple submitters, no conflicts (2 of 4 stars). 2 submissions from 2 submitters: Uncertain significance (2). Last evaluated 2025-09-09.

gnomAD v4.1: 7 of 1,613,522 alleles (0.00043%); highest among the groups gnomAD compares: African/African-American, 0.0027%; no homozygotes.

Submissions (2):

Labcorp Genetics (formerly Invitae), Labcorp
Classification: Uncertain significance. Last evaluated: 2025-09-09. Review status: criteria provided, single submitter. Criteria: Invitae Variant Classification Sherloc (09022015). Collection method: clinical testing. Allele origin: germline.
Comment: This sequence change replaces arginine, which is basic and polar, with glutamine, which is neutral and polar, at codon 345 of the EFEMP1 protein (p.Arg345Gln). This variant is present in population databases (rs750022923, gnomAD 0.007%). This variant has not been reported in the literature in individuals affected with EFEMP1-related conditions. Invitae Evidence Modeling of protein sequence and biophysical properties (such as structural, functional, and spatial information, amino acid conservation, physicochemical variation, residue mobility, and thermodynamic stability) indicates that this missense variant is not expected to disrupt EFEMP1 protein function with a negative predictive value of 80%. Experimental studies have shown that this missense change does not substantially affect EFEMP1 function (PMID: 22031286). This variant disrupts the p.Arg345 amino acid residue in EFEMP1. Other variant(s) that disrupt this residue have been determined to be pathogenic (PMID: 10369267, 11384588, 25077532, 30541486; internal data). This suggests that this residue is clinically significant, and that variants that disrupt this residue are likely to be disease-causing. In summary, the available evidence is currently insufficient to determine the role of this variant in disease. Therefore, it has been classified as a Variant of Uncertain Significance.

Blueprint Genetics
Classification: Uncertain significance. Last evaluated: 2021-10-06. Review status: criteria provided, single submitter. Criteria: ACMG Guidelines, 2015. Collection method: clinical testing. Allele origin: germline.

Literature cited by the submitters: PubMed 22031286 (cited by Labcorp Genetics (formerly Invitae), Labcorp); PubMed 10369267 (cited by Labcorp Genetics (formerly Invitae), Labcorp); PubMed 11384588 (cited by Labcorp Genetics (formerly Invitae), Labcorp); PubMed 25077532 (cited by Labcorp Genetics (formerly Invitae), Labcorp); PubMed 30541486 (cited by Labcorp Genetics (formerly Invitae), Labcorp).

NM_001039348.3(EFEMP1):c.1034G>A (p.Arg345Gln)

Gene: EFEMP1 (EGF-like fibulin extracellular matrix protein 1; minus strand). Cytogenetic location: 2p16.1.
Variant type: single nucleotide variant.
Coding change: c.1034G>A on transcript NM_001039348.3 (MANE Select); coding-DNA position 1034, G replaced by A.
Protein change: p.Arg345Gln; replaces arginine 345 with glutamine.
Molecular consequence: missense variant.
Genome position (GRCh38, 1-based): chr2:55,871,090, C>T on the plus strand (G>A on the coding strand, the complement: EFEMP1 is on the minus strand). VCF-style: chr2-55871090-C-T. GRCh37 (hg19) VCF-style: chr2-56098225-C-T.
Other names: c.1034G>A, p.Arg345Gln (NM_001039349.3); short protein forms R345Q.
Identifiers: ClinVar variation 4697663 (VCV004697663.2).